The following is an entry in ClinVar:

NM_015450.3(POT1):c.810T>A (p.Ser270Arg)

Gene: POT1 (protection of telomeres 1; minus strand). Cytogenetic location: 7q31.33.
Variant type: single nucleotide variant.
Coding change: c.810T>A on transcript NM_015450.3 (MANE Select); coding-DNA position 810, T replaced by A.
Protein change: p.Ser270Arg; replaces serine 270 with arginine.
Molecular consequence: missense variant. On other transcripts: non-coding transcript variant (3).
Genome position (GRCh38, 1-based): chr7:124,853,031, A>T on the plus strand (T>A on the coding strand, the complement: POT1 is on the minus strand). VCF-style: chr7-124853031-A-T. GRCh37 (hg19) VCF-style: chr7-124493085-A-T.
Other names: c.417T>A, p.Ser139Arg (NM_001042594.2); short protein forms S139R, S270R.
Identifiers: ClinVar variation 3644157 (VCV003644157.2).
Genomic context (GRCh38, chr7:124,853,031, plus strand): 5'-CTTTTTCAGTTGATCCACATCAGAGTTACTTTCTGGCAAGACCCTGATTCCCCGACCGTA[A>T]CTGGTACCTCCATGAAGATGAAACTCTAAACTTAACATTGTCTGATTCTCTGAATTCATT-3'
Protein context (NP_056265.2, residues 260-280): SLEFHLHGGT[Ser270Arg]YGRGIRVLPE

ClinVar aggregate classification (germline): Uncertain significance (1 of 4 stars; one submission).

Conditions:
Tumor predisposition syndrome 3 (TPDS3). Also called: Melanoma, cutaneous malignant, susceptibility to, 10; Glioma susceptibility 9; LONG TELOMERE SYNDROME, POT1-RELATED; POT1 Tumor Predisposition. Identifiers: Orphanet 618, MedGen C4014476, MONDO:0014368, OMIM 615848.

Submission:

Labcorp Genetics (formerly Invitae), Labcorp
Classification: Uncertain significance for Tumor predisposition syndrome 3. Last evaluated: 2024-03-02. Review status: criteria provided, single submitter. Criteria: Invitae Variant Classification Sherloc (09022015). Collection method: clinical testing. Allele origin: germline.
Comment: This sequence change replaces serine, which is neutral and polar, with arginine, which is basic and polar, at codon 270 of the POT1 protein (p.Ser270Arg). This variant is not present in population databases (gnomAD no frequency). This variant has not been reported in the literature in individuals affected with POT1-related conditions. Advanced modeling of protein sequence and biophysical properties (such as structural, functional, and spatial information, amino acid conservation, physicochemical variation, residue mobility, and thermodynamic stability) performed at Invitae indicates that this missense variant is not expected to disrupt POT1 protein function with a negative predictive value of 80%. This variant disrupts the p.Ser270 amino acid residue in POT1. Other variant(s) that disrupt this residue have been determined to be pathogenic (PMID: 24686846). This suggests that this residue is clinically significant, and that variants that disrupt this residue are likely to be disease-causing. In summary, the available evidence is currently insufficient to determine the role of this variant in disease. Therefore, it has been classified as a Variant of Uncertain Significance.

Literature cited by the submitters: PubMed 24686846.